The following is an entry in ClinVar:

NM_004963.4(GUCY2C):c.3104A>G (p.Gln1035Arg)

Genes: GUCY2C (guanylate cyclase 2C; minus strand), PLBD1-AS1 (PLBD1 antisense RNA 1; plus strand). Cytogenetic location: 12p12.3.
Variant type: single nucleotide variant.
Coding change: c.3104A>G on transcript NM_004963.4 (MANE Select); coding-DNA position 3104, A replaced by G.
Protein change: p.Gln1035Arg; replaces glutamine 1035 with arginine.
Molecular consequence: missense variant.
Genome position (GRCh38, 1-based): chr12:14,613,235, T>C on the plus strand (A>G on the coding strand, the complement: GUCY2C is on the minus strand). VCF-style: chr12-14613235-T-C. GRCh37 (hg19) VCF-style: chr12-14766169-T-C.
Other names: short protein forms Q1035R.
Identifiers: ClinVar variation 4706170 (VCV004706170.1).

ClinVar aggregate classification (germline): Uncertain significance (1 of 4 stars; one submission).

gnomAD v4.1: 2 of 1,613,318 alleles (0.00012%); highest among the groups gnomAD compares: Non-Finnish European, 0.00017%; no homozygotes.

Submission:

Labcorp Genetics (formerly Invitae), Labcorp
Classification: Uncertain significance. Last evaluated: 2026-01-03. Review status: criteria provided, single submitter. Criteria: Invitae Variant Classification Sherloc (09022015). Collection method: clinical testing. Allele origin: germline.
Comment: This sequence change replaces glutamine, which is neutral and polar, with arginine, which is basic and polar, at codon 1035 of the GUCY2C protein (p.Gln1035Arg). This variant is not present in population databases (gnomAD no frequency). This variant has not been reported in the literature in individuals affected with GUCY2C-related conditions. An algorithm developed to predict the effect of missense changes on protein structure and function outputs the following: PolyPhen-2: "Benign". The arginine amino acid residue is found in multiple mammalian species, which suggests that this missense change does not adversely affect protein function. In summary, the available evidence is currently insufficient to determine the role of this variant in disease. Therefore, it has been classified as a Variant of Uncertain Significance.